The following is an entry in ClinVar:

NM_000548.5(TSC2):c.71C>T (p.Pro24Leu)

Gene: TSC2 (TSC complex subunit 2; plus strand). Cytogenetic location: 16p13.3.
Variant type: single nucleotide variant.
Coding change: c.71C>T on transcript NM_000548.5 (MANE Select); coding-DNA position 71, C replaced by T.
Protein change: p.Pro24Leu; replaces proline 24 with leucine.
Molecular consequence: missense variant. On other transcripts: 5 prime UTR variant (1), intron variant (1).
Genome position (GRCh38, 1-based): chr16:2,048,686, C>T. VCF-style: chr16-2048686-C-T. GRCh37 (hg19) VCF-style: chr16-2098687-C-T.
Other names: c.71C>T, p.Pro24Leu (NM_001077183.3, NM_001114382.3, NM_001318827.2 and 4 more transcripts); c.-156C>T (NM_001318831.2); c.104C>T, p.Pro35Leu (NM_001318832.2); c.-10+621C>T (NM_001318829.2); short protein forms P35L, P24L.
Identifiers: ClinVar variation 936546 (VCV000936546.11), dbSNP rs868467487, ClinGen allele CA276768594.

ClinVar aggregate classification (germline): Uncertain significance. Review status: criteria provided, multiple submitters, no conflicts (2 of 4 stars). 2 submissions from 2 submitters: Uncertain significance (2). Last evaluated 2024-08-10.

Conditions:
Tuberous sclerosis 2 (TSC2). Identifiers: Orphanet 805, MedGen C1860707, MONDO:0013199, OMIM 613254.
Hereditary cancer-predisposing syndrome. Also called: Tumor predisposition; Hereditary neoplastic syndrome; Neoplastic Syndromes, Hereditary; Hereditary Cancer Syndrome. Identifiers: Orphanet 140162, MedGen C0027672, MeSH D009386, MONDO:0015356.

Allele frequency attached by ClinVar (database versions not stated): gnomAD 0.00001; 1000 Genomes Project 30x 0.00016.

Submissions (2):

Labcorp Genetics (formerly Invitae), Labcorp
Classification: Uncertain significance for Tuberous sclerosis 2. Last evaluated: 2024-08-10. Review status: criteria provided, single submitter. Criteria: Invitae Variant Classification Sherloc (09022015). Collection method: clinical testing. Allele origin: germline.
Comment: This sequence change replaces proline, which is neutral and non-polar, with leucine, which is neutral and non-polar, at codon 24 of the TSC2 protein (p.Pro24Leu). This variant is not present in population databases (gnomAD no frequency). This variant has not been reported in the literature in individuals affected with TSC2-related conditions. ClinVar contains an entry for this variant (Variation ID: 936546). Advanced modeling of protein sequence and biophysical properties (such as structural, functional, and spatial information, amino acid conservation, physicochemical variation, residue mobility, and thermodynamic stability) performed at Invitae indicates that this missense variant is not expected to disrupt TSC2 protein function with a negative predictive value of 95%. In summary, the available evidence is currently insufficient to determine the role of this variant in disease. Therefore, it has been classified as a Variant of Uncertain Significance.

Ambry Genetics
Classification: Uncertain significance for Hereditary cancer-predisposing syndrome. Last evaluated: 2022-11-10. Review status: criteria provided, single submitter. Criteria: Ambry Variant Classification Scheme 2023. Collection method: clinical testing. Allele origin: germline.
Comment: The p.P24L variant (also known as c.71C>T), located in coding exon 1 of the TSC2 gene, results from a C to T substitution at nucleotide position 71. The proline at codon 24 is replaced by leucine, an amino acid with similar properties. This amino acid position is conserved. In addition, this alteration is predicted to be tolerated by in silico analysis. Since supporting evidence is limited at this time, the clinical significance of this alteration remains unclear.